The following is an entry in ClinVar:

ClinVar aggregate classification (germline): Pathogenic (1 of 4 stars; one submission).

Conditions:
Pitt-Hopkins syndrome (PTHS). Also called: MENTAL RETARDATION, SYNDROMAL, WITH INTERMITTENT HYPERVENTILATION; ENCEPHALOPATHY, SEVERE EPILEPTIC, WITH AUTONOMIC DYSFUNCTION. Identifiers: Orphanet 2896, MedGen C1970431, MONDO:0012589, OMIM 610954.

Submission:

Labcorp Genetics (formerly Invitae), Labcorp
Classification: Pathogenic for Pitt-Hopkins syndrome. Last evaluated: 2019-07-06. Review status: criteria provided, single submitter. Criteria: Invitae Variant Classification Sherloc (09022015). Collection method: clinical testing. Allele origin: germline.
Comment: For these reasons, this variant has been classified as Pathogenic. Loss-of-function variants in TCF4 are known to be pathogenic (PMID: 18728071, 22045651). This variant has not been reported in the literature in individuals with TCF4-related conditions. This variant is not present in population databases (ExAC no frequency). This sequence change creates a premature translational stop signal (p.Asn402Thrfs*60) in the TCF4 gene. It is expected to result in an absent or disrupted protein product.

Literature cited by the submitters: PubMed 18728071; PubMed 22045651.

NM_001083962.2(TCF4):c.1203del (p.Asn402fs)

Gene: TCF4 (transcription factor 4; minus strand). Cytogenetic location: 18q21.2.
Variant type: Deletion.
Coding change: c.1203del on transcript NM_001083962.2 (MANE Select); coding-DNA position 1203, one base deleted (G; older notation c.1203delG).
Protein change: p.Asn402fs; shifts the reading frame from asparagine 402.
Molecular consequence: frameshift variant.
Genome position (GRCh38, 1-based): chr18:55,254,644, C deleted on the plus strand (G on the coding strand, the reverse complement: TCF4 is on the minus strand); the first of 2 consecutive C bases (chr18:55,254,644-55,254,645); deleting either gives the same sequence. VCF-style (leftmost placement, unchanged base first): chr18-55254643-TC-T. GRCh37 (hg19) VCF-style: chr18-52921874-TC-T.
Other names: c.1509del, p.Asn504fs (NM_001243226.3); c.1131del, p.Asn378fs (NM_001243227.2, NM_001306207.1, NM_001348217.1 and 5 more transcripts); c.1221del, p.Asn408fs (NM_001243228.2); c.1194del, p.Asn399fs (NM_001243230.2); c.1077del, p.Asn360fs (NM_001243231.2, NM_001348211.2); c.990del, p.Asn331fs (NM_001243232.1, NM_001306208.1); c.813del, p.Asn272fs (NM_001243233.2, NM_001330605.3, NM_001348212.2 and 1 more transcripts); c.723del, p.Asn242fs (NM_001243234.2, NM_001243235.2, NM_001243236.2 and 1 more transcripts); and 6 more; short protein forms N242fs, N272fs, N331fs, N377fs, N378fs, N379fs, N402fs, N408fs.
Identifiers: ClinVar variation 954411 (VCV000954411.7), dbSNP rs2056315077, ClinGen allele CA1139666097.